The following is an entry in ClinVar:

ClinVar aggregate classification (germline): Uncertain significance (1 of 4 stars; one submission).

Conditions:
Hereditary cancer-predisposing syndrome. Also called: Tumor predisposition; Hereditary neoplastic syndrome; Hereditary Cancer Syndrome; Neoplastic Syndromes, Hereditary. Identifiers: Orphanet 140162, MedGen C0027672, MeSH D009386, MONDO:0015356.

Submission:

Ambry Genetics
Classification: Uncertain significance for Hereditary cancer-predisposing syndrome. Last evaluated: 2024-02-09. Review status: criteria provided, single submitter. Criteria: Ambry Variant Classification Scheme 2023. Collection method: clinical testing. Allele origin: germline.
Comment: The p.D241N variant (also known as c.721G>A), located in coding exon 6 of the SDHA gene, results from a G to A substitution at nucleotide position 721. The aspartic acid at codon 241 is replaced by asparagine, an amino acid with highly similar properties. This amino acid position is highly conserved in available vertebrate species. In addition, this alteration is predicted to be tolerated by in silico analysis. Based on the available evidence, the clinical significance of this alteration remains unclear.

NM_004168.4(SDHA):c.721G>A (p.Asp241Asn)

Gene: SDHA (succinate dehydrogenase complex flavoprotein subunit A; plus strand). Cytogenetic location: 5p15.33.
Variant type: single nucleotide variant.
Coding change: c.721G>A on transcript NM_004168.4 (MANE Select); coding-DNA position 721, G replaced by A.
Protein change: p.Asp241Asn; replaces aspartic acid 241 with asparagine.
Molecular consequence: missense variant.
Genome position (GRCh38, 1-based): chr5:228,284, G>A. VCF-style: chr5-228284-G-A. GRCh37 (hg19) VCF-style: chr5-228399-G-A.
Other names: c.577G>A, p.Asp193Asn (NM_001294332.2); c.721G>A, p.Asp241Asn (NM_001330758.2); short protein forms D193N, D241N.
Identifiers: ClinVar variation 3223754 (VCV003223754.1), dbSNP rs2126558963, ClinGen allele CA359011056.